The following is an entry in ClinVar:

ClinVar aggregate classification (germline): Uncertain significance. Review status: criteria provided, multiple submitters, no conflicts (2 of 4 stars). 2 submissions from 2 submitters: Uncertain significance (2). Last evaluated 2022-10-26.

Conditions:
Inborn genetic diseases. Identifiers: MedGen C0950123, MeSH D030342.
Fibrous dysplasia of jaw (CRBM). Also called: Cherubism. Identifiers: Orphanet 184, MedGen C0008029, MONDO:0007315, OMIM 118400.

Allele frequency attached by ClinVar (database versions not stated): gnomAD exomes below 0.00001.
gnomAD v4.1: 2 of 1,608,442 alleles (0.00012%); highest among the groups gnomAD compares: South Asian, 0.0011%; no homozygotes.

Submissions (2):

Ambry Genetics
Classification: Uncertain significance for Inborn genetic diseases. Last evaluated: 2022-10-26. Review status: criteria provided, single submitter. Criteria: Ambry Variant Classification Scheme 2023. Collection method: clinical testing. Allele origin: germline.

Labcorp Genetics (formerly Invitae), Labcorp
Classification: Uncertain significance for Fibrous dysplasia of jaw. Last evaluated: 2019-10-30. Review status: criteria provided, single submitter. Criteria: Invitae Variant Classification Sherloc (09022015). Collection method: clinical testing. Allele origin: germline.
Comment: Algorithms developed to predict the effect of sequence changes on RNA splicing suggest that this variant may create or strengthen a splice site, but this prediction has not been confirmed by published transcriptional studies. In summary, the available evidence is currently insufficient to determine the role of this variant in disease. Therefore, it has been classified as a Variant of Uncertain Significance. Algorithms developed to predict the effect of missense changes on protein structure and function output the following: SIFT: "Tolerated"; PolyPhen-2: "Benign"; Align-GVGD: "Class C0". The valine amino acid residue is found in multiple mammalian species, suggesting that this missense change does not adversely affect protein function. These predictions have not been confirmed by published functional studies and their clinical significance is uncertain. This sequence change replaces alanine with valine at codon 395 of the SH3BP2 protein (p.Ala395Val). The alanine residue is moderately conserved and there is a small physicochemical difference between alanine and valine. This variant is not present in population databases (ExAC no frequency). This variant has not been reported in the literature in individuals with SH3BP2-related conditions.

NM_001122681.2(SH3BP2):c.1184C>T (p.Ala395Val)

Gene: SH3BP2 (SH3 domain binding protein 2; plus strand). Cytogenetic location: 4p16.3.
Variant type: single nucleotide variant.
Coding change: c.1184C>T on transcript NM_001122681.2 (MANE Select); coding-DNA position 1184, C replaced by T.
Protein change: p.Ala395Val; replaces alanine 395 with valine.
Molecular consequence: missense variant.
Genome position (GRCh38, 1-based): chr4:2,830,090, C>T. VCF-style: chr4-2830090-C-T. GRCh37 (hg19) VCF-style: chr4-2831817-C-T.
Other names: c.1268C>T, p.Ala423Val (NM_001145855.2); c.1355C>T, p.Ala452Val (NM_001145856.2); c.1184C>T, p.Ala395Val (NM_003023.4); short protein forms A395V, A423V, A452V.
Identifiers: ClinVar variation 971967 (VCV000971967.11), dbSNP rs777927746, ClinGen allele CA356057316.
Genomic context (GRCh38, chr4:2,830,090, plus strand): 5'-GACTCTTTGTGCCCCCCGTGGCTCCCCGGCCTCCTGCGCTGAAGCTGCCAGTGCCTGAGG[C>T]CATGGCGCGGCCCGCAGTCCTGCCCAGGCCAGAGAAGCCGCAGCTCCCGCACCTCCAGTG-3'
Protein context (NP_001116153.1, residues 385-405): PPALKLPVPE[Ala395Val]MARPAVLPRP